The following is an entry in ClinVar:

ClinVar aggregate classification (germline): Uncertain significance (1 of 4 stars; one submission).

Conditions:
Ullrich congenital muscular dystrophy 2 (UCMD2). Identifiers: Orphanet 75840, MedGen C4225314, MONDO:0014654, OMIM 616470.
Bethlem myopathy 2 (BTHLM2). Identifiers: Orphanet 536516, Orphanet 610, MedGen C4225313, MONDO:0034022, OMIM 616471.

Submission:

Labcorp Genetics (formerly Invitae), Labcorp
Classification: Uncertain significance for Bethlem myopathy 2; Ullrich congenital muscular dystrophy 2. Last evaluated: 2024-08-21. Review status: criteria provided, single submitter. Criteria: Invitae Variant Classification Sherloc (09022015). Collection method: clinical testing. Allele origin: germline.
Comment: This sequence change replaces glycine, which is neutral and non-polar, with glutamic acid, which is acidic and polar, at codon 2109 of the COL12A1 protein (p.Gly2109Glu). This variant is not present in population databases (gnomAD no frequency). This variant has not been reported in the literature in individuals affected with COL12A1-related conditions. Invitae Evidence Modeling of protein sequence and biophysical properties (such as structural, functional, and spatial information, amino acid conservation, physicochemical variation, residue mobility, and thermodynamic stability) has been performed for this missense variant. However, the output from this modeling did not meet the statistical confidence thresholds required to predict the impact of this variant on COL12A1 protein function. In summary, the available evidence is currently insufficient to determine the role of this variant in disease. Therefore, it has been classified as a Variant of Uncertain Significance.

NM_004370.6(COL12A1):c.6326G>A (p.Gly2109Glu)

Gene: COL12A1 (collagen type XII alpha 1 chain; minus strand). Cytogenetic location: 6q13.
Variant type: single nucleotide variant.
Coding change: c.6326G>A on transcript NM_004370.6 (MANE Select); coding-DNA position 6326, G replaced by A.
Protein change: p.Gly2109Glu; replaces glycine 2109 with glutamic acid.
Molecular consequence: missense variant.
Genome position (GRCh38, 1-based): chr6:75,128,310, C>T on the plus strand (G>A on the coding strand, the complement: COL12A1 is on the minus strand). VCF-style: chr6-75128310-C-T. GRCh37 (hg19) VCF-style: chr6-75838026-C-T.
Other names: c.6326G>A, p.Gly2109Glu (NM_001424113.1); c.6305G>A, p.Gly2102Glu (NM_001424114.1); c.6053G>A, p.Gly2018Glu (NM_001424115.1); c.2834G>A, p.Gly945Glu (NM_001424116.1, NM_080645.3); short protein forms G2018E, G2102E, G2109E, G945E.
Identifiers: ClinVar variation 3753063 (VCV003753063.2).
Genomic context (GRCh38, chr6:75,128,310, plus strand): 5'-TGACAATTTCAAAGCAAAAATAAAAGGGGGAGTACAAAACACTTACCAGTTCTTCCATTT[C>T]CTGTTAGATGGCCACCATCTCCATCTTCATAAACAGCAATAACAGTAATTTTATATGGAG-3'
Protein context (NP_004361.3, residues 2099-2119): YEDGDGGHLT[Gly2109Glu]NGRTVGLLPP